The following is an entry in ClinVar:

NM_000186.4(CFH):c.275C>T (p.Pro92Leu)

Gene: CFH (complement factor H; plus strand). Cytogenetic location: 1q31.3.
Variant type: single nucleotide variant.
Coding change: c.275C>T on transcript NM_000186.4 (MANE Select); coding-DNA position 275, C replaced by T.
Protein change: p.Pro92Leu; replaces proline 92 with leucine.
Molecular consequence: missense variant.
Genome position (GRCh38, 1-based): chr1:196,673,887, C>T. VCF-style: chr1-196673887-C-T. GRCh37 (hg19) VCF-style: chr1-196643017-C-T.
Other names: c.275C>T, p.Pro92Leu (NM_001014975.3); short protein forms P92L.
Identifiers: ClinVar variation 294481 (VCV000294481.8), dbSNP rs886045743, ClinGen allele CA10608664.

ClinVar aggregate classification (germline): Uncertain significance. Review status: criteria provided, multiple submitters, no conflicts (2 of 4 stars). 5 submissions from 2 submitters: Uncertain significance (5). Last evaluated 2023-11-28.

Conditions:
Basal laminar drusen. Also called: DRUSEN OF BRUCH MEMBRANE; DRUSEN, CUTICULAR; DRUSEN, EARLY ADULT-ONSET, GROUPED. Identifiers: Orphanet 75376, MedGen C0730295, MONDO:0007472, OMIM 126700.
Hemolytic uremic syndrome, atypical, susceptibility to, 1. Also called: AHUS, SUSCEPTIBILITY TO, 1. Identifiers: Orphanet 2134, Orphanet 90038, MedGen C2749604, MONDO:0009335, OMIM 235400. Disease mechanism: Other.
Age related macular degeneration 4. Identifiers: MedGen C1853147, MONDO:0012540, OMIM 610698.
CFH-Related Dense Deposit Disease / Membranoproliferative Glomerulonephritis Type II. Identifiers: MedGen CN071292.

Submissions (5):

Labcorp Genetics (formerly Invitae), Labcorp
Classification: Uncertain significance. Last evaluated: 2023-11-28. Review status: criteria provided, single submitter. Criteria: Invitae Variant Classification Sherloc (09022015). Collection method: clinical testing. Allele origin: germline.
Comment: This sequence change replaces proline, which is neutral and non-polar, with leucine, which is neutral and non-polar, at codon 92 of the CFH protein (p.Pro92Leu). This variant is not present in population databases (gnomAD no frequency). This variant has not been reported in the literature in individuals affected with CFH-related conditions. ClinVar contains an entry for this variant (Variation ID: 294481). An algorithm developed to predict the effect of missense changes on protein structure and function (PolyPhen-2) suggests that this variant is likely to be disruptive. In summary, the available evidence is currently insufficient to determine the role of this variant in disease. Therefore, it has been classified as a Variant of Uncertain Significance.

Illumina Laboratory Services, Illumina
Classification: Uncertain significance for Basal laminar drusen. Last evaluated: 2018-01-13. Review status: criteria provided, single submitter. Criteria: ICSL Variant Classification Criteria 13 December 2019. Collection method: clinical testing. Allele origin: germline.

Illumina Laboratory Services, Illumina
Classification: Uncertain significance for Hemolytic uremic syndrome, atypical, susceptibility to, 1. Last evaluated: 2018-01-13. Review status: criteria provided, single submitter. Criteria: ICSL Variant Classification Criteria 13 December 2019. Collection method: clinical testing. Allele origin: germline.

Illumina Laboratory Services, Illumina
Classification: Uncertain significance for Age related macular degeneration 4. Last evaluated: 2018-01-13. Review status: criteria provided, single submitter. Criteria: ICSL Variant Classification Criteria 13 December 2019. Collection method: clinical testing. Allele origin: germline.

Illumina Laboratory Services, Illumina
Classification: Uncertain significance for Membranoproliferative glomerulonephritis with complement factor h deficiency. Last evaluated: 2018-01-13. Review status: criteria provided, single submitter. Criteria: ICSL Variant Classification Criteria 13 December 2019. Collection method: clinical testing. Allele origin: germline.